The following is an entry in ClinVar:

ClinVar aggregate classification (germline): Likely pathogenic (1 of 4 stars; one submission).

Conditions:
Hereditary cancer-predisposing syndrome. Also called: Tumor predisposition; Hereditary neoplastic syndrome; Neoplastic Syndromes, Hereditary; Hereditary Cancer Syndrome. Identifiers: Orphanet 140162, MedGen C0027672, MeSH D009386, MONDO:0015356.

Submission:

Ambry Genetics
Classification: Likely pathogenic for Hereditary cancer-predisposing syndrome. Last evaluated: 2025-05-13. Review status: criteria provided, single submitter. Criteria: Ambry Variant Classification Scheme 2023. Collection method: clinical testing. Allele origin: germline.
Comment: The c.463_464insALU likely pathogenic variant results from the insertion of an Alu element between nucleotides 463 and 464 in coding exon 4 of the BRIP1 gene. Mobile element insertions contribute to pathogenicity by either disrupting the coding sequence or inducing aberrant splicing (Belancio VP et al. Semin. Cancer Biol. 2010 Aug;20:200-10; Deininger P et al. Genome Biol. 2011 Dec;12:236; van der Klift HM Hum Mutat. 2012 Jul;33(7):1051-5). Based on the majority of available evidence to date, this variant is likely to be pathogenic.

NM_032043.2:c.463_464insALU

Gene: BRIP1 (BRCA1 interacting DNA helicase 1; minus strand).
Variant type: Insertion.
Identifiers: ClinVar variation 3993147 (VCV003993147.1).